The following is an entry in ClinVar:

NM_018139.3(DNAAF2):c.1166dup (p.Pro390fs)

Genes: DNAAF2 (dynein axonemal assembly factor 2; minus strand), LOC130055542 (ATAC-STARR-seq lymphoblastoid silent region 5699; plus strand). Cytogenetic location: 14q21.3.
Variant type: Duplication.
Coding change: c.1166dup on transcript NM_018139.3 (MANE Select); coding-DNA position 1166, one base duplicated (G; older notation c.1166dupG).
Protein change: p.Pro390fs; shifts the reading frame from proline 390.
Molecular consequence: frameshift variant. On other transcripts: 5 prime UTR variant (1).
Genome position (GRCh38, 1-based): chr14:49,633,984, C duplicated on the plus strand (G on the coding strand, the reverse complement: DNAAF2 is on the minus strand); the first of 3 consecutive C bases (chr14:49,633,984-49,633,986); duplicating any one gives the same sequence. VCF-style (leftmost placement, unchanged base first): chr14-49633983-T-TC. GRCh37 (hg19) VCF-style: chr14-50100701-T-TC.
Other names: c.1166dup, p.Pro390fs (NM_001083908.2); c.-706dup (NM_001378453.1); short protein forms P390fs.
Identifiers: ClinVar variation 2881010 (VCV002881010.4), dbSNP rs2502768385, ClinGen allele CA2575582688.

ClinVar aggregate classification (germline): Pathogenic/Likely pathogenic. Review status: criteria provided, multiple submitters, no conflicts (2 of 4 stars). 2 submissions from 2 submitters: Pathogenic (1); Likely pathogenic (1). Last evaluated 2022-12-21.

Conditions:
DNAAF2-related disorder. Also called: DNAAF2-related condition.
Primary ciliary dyskinesia. Also called: Ciliary dyskinesia. Identifiers: Orphanet 244, MedGen C0008780, MONDO:0016575, HP:0012265.

Submissions (2):

Labcorp Genetics (formerly Invitae), Labcorp
Classification: Pathogenic for Primary ciliary dyskinesia. Last evaluated: 2022-12-21. Review status: criteria provided, single submitter. Criteria: Invitae Variant Classification Sherloc (09022015). Collection method: clinical testing. Allele origin: germline.
Comment: For these reasons, this variant has been classified as Pathogenic. This variant has not been reported in the literature in individuals affected with DNAAF2-related conditions. This variant is not present in population databases (gnomAD no frequency). This sequence change creates a premature translational stop signal (p.Pro390Thrfs*101) in the DNAAF2 gene. It is expected to result in an absent or disrupted protein product. Loss-of-function variants in DNAAF2 are known to be pathogenic (PMID: 19052621, 24498942).

Blueprint Genetics
Classification: Likely pathogenic for DNAAF2-related disorders. Last evaluated: 2022-04-14. Review status: criteria provided, single submitter. Criteria: ACMG Guidelines, 2015. Collection method: clinical testing. Allele origin: germline. Affected: yes. Observed: 1 variant allele.

Literature cited by the submitters: PubMed 19052621 (cited by Labcorp Genetics (formerly Invitae), Labcorp); PubMed 24498942 (cited by Labcorp Genetics (formerly Invitae), Labcorp).